The following is an entry in ClinVar:

NM_139319.3(SLC17A8):c.171G>A (p.Thr57=)

Gene: SLC17A8 (solute carrier family 17 member 8; plus strand). Cytogenetic location: 12q23.1.
Variant type: single nucleotide variant.
Coding change: c.171G>A on transcript NM_139319.3 (MANE Select); coding-DNA position 171, G replaced by A.
Protein change: p.Thr57=; no amino-acid change (threonine 57 retained).
Molecular consequence: synonymous variant.
Genome position (GRCh38, 1-based): chr12:100,380,770, G>A. VCF-style: chr12-100380770-G-A. GRCh37 (hg19) VCF-style: chr12-100774548-G-A.
Other names: c.171G>A, p.Thr57= (NM_001145288.2).
Identifiers: ClinVar variation 47882 (VCV000047882.19), dbSNP rs11110359, ClinGen allele CA142095.
Genomic context (GRCh38, chr12:100,380,770, plus strand): 5'-TGGGACAACTGAGGAAGAAGATAACATTGAGCTGAATGAAGAAGGAAGGCCGGTGCAGAC[G>A]TCCAGGCCAAGCCCCCCACTCTGCGACTGCCACTGCTGCGGCCTCCCCAAGCGTTACATC-3'
Protein context (NP_647480.1, residues 47-67): ELNEEGRPVQ[Thr57=]SRPSPPLCDC

ClinVar aggregate classification (germline): Benign. Review status: criteria provided, multiple submitters, no conflicts (2 of 4 stars). 6 submissions from 6 submitters: Benign (5). 1 of the submissions does not count toward it. Last evaluated 2026-02-03.

Conditions:
SLC17A8-related disorder. Also called: SLC17A8-related condition.
Autosomal dominant nonsyndromic hearing loss 25. Identifiers: Orphanet 90635, MedGen C1854158, MONDO:0011568, OMIM 605583.

Allele frequency attached by ClinVar (database versions not stated): ESP Exome Variant Server 0.00108; gnomAD 0.00452 and 0.00620; gnomAD exomes 0.00490 and 0.01118; TOPMed 0.00615; ExAC 0.01123; 1000 Genomes Project 30x 0.02452; 1000 Genomes Project 0.02756.
gnomAD v4.1: 8,279 of 1,614,034 alleles (0.51%); highest among the groups gnomAD compares: East Asian, 13%; 446 homozygotes.

Submissions (6):

Labcorp Genetics (formerly Invitae), Labcorp
Classification: Benign. Last evaluated: 2026-02-03. Review status: criteria provided, single submitter. Criteria: Invitae Variant Classification Sherloc (09022015). Collection method: clinical testing. Allele origin: germline.

Illumina Laboratory Services, Illumina
Classification: Benign for Autosomal dominant nonsyndromic hearing loss 25. Last evaluated: 2018-01-13. Review status: criteria provided, single submitter. Criteria: ICSL Variant Classification Criteria 13 December 2019. Collection method: clinical testing. Allele origin: germline.
Comment: This variant was observed in the ICSL laboratory as part of a predisposition screen in an ostensibly healthy population. It had not been previously curated by ICSL or reported in the Human Gene Mutation Database (HGMD: prior to June 1st, 2018), and was therefore a candidate for classification through an automated scoring system. Utilizing variant allele frequency, disease prevalence and penetrance estimates, and inheritance mode, an automated score was calculated to assess if this variant is too frequent to cause the disease. Based on the score and internal cut-off values, a variant classified as benign is not then subjected to further curation. The score for this variant resulted in a classification of benign for this disease.

GeneDx
Classification: Benign. Last evaluated: 2017-08-03. Review status: criteria provided, single submitter. Criteria: GeneDx Variant Classification (06012015). Collection method: clinical testing. Allele origin: germline. Affected: yes.
Comment: This variant is considered likely benign or benign based on one or more of the following criteria: it is a conservative change, it occurs at a poorly conserved position in the protein, it is predicted to be benign by multiple in silico algorithms, and/or has population frequency not consistent with disease.

Laboratory for Molecular Medicine, Mass General Brigham Personalized Medicine
Classification: Benign. Last evaluated: 2012-05-07. Review status: criteria provided, single submitter. Criteria: LMM Criteria. Collection method: clinical testing. Allele origin: germline. Observed: 7 variant alleles.
Comment: "Thr57Thr in Exon 02 of SLC17A8: This variant is not expected to have clinical s ignificance because it does not alter an amino acid residue, is not located with in the splice consensus sequence, and has been identified in 14.2% (17/120) of c hromosomes from a population in the dbSNP database (projects/SNP; rs11110359)."

Breakthrough Genomics
Classification: Benign. Review status: criteria provided, single submitter. Criteria: ACMG Guidelines, 2015. Collection method: not provided. Allele origin: germline. Inheritance: Autosomal dominant inheritance. Affected: yes.

PreventionGenetics, part of Exact Sciences
Classification: Benign for SLC17A8-related condition. Last evaluated: 2019-04-22. Review status: no assertion criteria provided. Collection method: clinical testing. Allele origin: germline. Not counted in ClinVar's aggregate classification.
Comment: This variant is classified as benign based on ACMG/AMP sequence variant interpretation guidelines (Richards et al. 2015 PMID: 25741868, with internal and published modifications).